The following is an entry in ClinVar:

NM_020436.5(SALL4):c.540T>C (p.Asn180=)

Gene: SALL4 (spalt like transcription factor 4; minus strand). Cytogenetic location: 20q13.2.
Variant type: single nucleotide variant.
Coding change: c.540T>C on transcript NM_020436.5 (MANE Select); coding-DNA position 540, T replaced by C.
Protein change: p.Asn180=; no amino-acid change (asparagine 180 retained).
Molecular consequence: synonymous variant.
Genome position (GRCh38, 1-based): chr20:51,791,943, A>G on the plus strand (T>C on the coding strand, the complement: SALL4 is on the minus strand). VCF-style: chr20-51791943-A-G. GRCh37 (hg19) VCF-style: chr20-50408482-A-G.
Other names: p.Asn180=; c.540T>C, p.Asn180= (NM_001318031.2); c.540T>C (LRG_675t1).
Identifiers: ClinVar variation 261264 (VCV000261264.26), dbSNP rs6013281, ClinGen allele CA9912440.

ClinVar aggregate classification (germline): Benign/Likely benign. Review status: criteria provided, multiple submitters, no conflicts (2 of 4 stars). 12 submissions from 11 submitters: Benign (9); Likely benign (1). 2 of the submissions do not count toward it. Last evaluated 2026-02-04.

Conditions:
Oculootoradial syndrome (IVIC). Also called: IVIC syndrome; RADIAL RAY DEFECTS, HEARING IMPAIRMENT, EXTERNAL OPHTHALMOPLEGIA, AND THROMBOCYTOPENIA. Identifiers: Orphanet 2307, MedGen C1327918, MONDO:0007836, OMIM 147750.
Duane-radial ray syndrome (DRRS). Also called: ACRORENOOCULAR SYNDROME; Duane-Radial Ray Syndrome/Okihiro Syndrome; Okihiro Syndrome; DR SYNDROME; DUANE ANOMALY WITH RADIAL RAY ABNORMALITIES AND DEAFNESS; Duane-Radial Ray Syndrome (DRRS) / Okihiro Syndrome. Identifiers: Orphanet 93293, Orphanet 959, MedGen C1623209, MONDO:0011812, OMIM 607323. Disease mechanism: gain of function.

Allele frequency attached by ClinVar (database versions not stated): gnomAD 0.99674 and 0.99661; 1000 Genomes Project 0.99740; 1000 Genomes Project 30x 0.99781; gnomAD exomes 0.99550 and 0.99658; ESP Exome Variant Server 0.99562; ExAC 0.99651; TOPMed 0.99673.
gnomAD v4.1: 1,607,197 of 1,614,230 alleles (100%); highest among the groups gnomAD compares: East Asian, 100%; 800,103 homozygotes.

Submissions (12):

Labcorp Genetics (formerly Invitae), Labcorp
Classification: Benign for Duane-radial ray syndrome. Last evaluated: 2026-02-04. Review status: criteria provided, single submitter. Criteria: Invitae Variant Classification Sherloc (09022015). Collection method: clinical testing. Allele origin: germline.

Mayo Clinic Laboratories, Mayo Clinic
Classification: Benign. Last evaluated: 2025-08-18. Review status: criteria provided, single submitter. Criteria: ACMG Guidelines, 2015. Collection method: clinical testing. Allele origin: germline. Observed: 76 variant alleles.
Comment: BS1, BS2, BP4, BP7

Blueprint Genetics
Classification: Benign. Last evaluated: 2024-11-28. Review status: criteria provided, single submitter. Criteria: ACMG Guidelines, 2015. Collection method: clinical testing. Allele origin: germline.

Genome-Nilou Lab
Classification: Benign for Oculootoradial syndrome. Last evaluated: 2021-11-07. Review status: criteria provided, single submitter. Criteria: ACMG Guidelines, 2015. Collection method: clinical testing. Allele origin: germline. Affected: no.

Genome-Nilou Lab
Classification: Benign for Duane-radial ray syndrome. Last evaluated: 2021-11-07. Review status: criteria provided, single submitter. Criteria: ACMG Guidelines, 2015. Collection method: clinical testing. Allele origin: germline. Affected: no.

Fulgent Genetics
Classification: Likely benign for Oculootoradial syndrome; Duane-radial ray syndrome. Last evaluated: 2021-08-23. Review status: criteria provided, single submitter. Criteria: ACMG Guidelines, 2015. Collection method: clinical testing. Allele origin: unknown.

Eurofins Ntd Llc (ga)
Classification: Benign. Last evaluated: 2017-08-16. Review status: criteria provided, single submitter. Criteria: EGL Classification Definitions 2015. Collection method: clinical testing. Allele origin: germline. Observed: 2 variant alleles, 2 homozygotes.

GeneDx
Classification: Benign. Last evaluated: 2015-03-03. Review status: criteria provided, single submitter. Criteria: GeneDx Variant Classification Process June 2021. Collection method: clinical testing. Allele origin: germline. Affected: yes.

Breakthrough Genomics
Classification: Benign. Review status: criteria provided, single submitter. Criteria: ACMG Guidelines, 2015. Collection method: not provided. Allele origin: germline. Inheritance: Autosomal dominant inheritance. Affected: yes.

PreventionGenetics, part of Exact Sciences
Classification: Benign. Review status: criteria provided, single submitter. Criteria: ACMG Guidelines, 2015. Collection method: clinical testing. Allele origin: germline.

Diagnostic Laboratory, Department of Genetics, University Medical Center Groningen
Classification: Benign. Review status: no assertion criteria provided. Collection method: clinical testing. Allele origin: germline. Affected: yes. Study: VKGL Data-share Consensus. Not counted in ClinVar's aggregate classification.

Joint Genome Diagnostic Labs from Nijmegen and Maastricht, Radboudumc and MUMC+
Classification: Benign. Review status: no assertion criteria provided. Collection method: clinical testing. Allele origin: germline. Affected: yes. Study: VKGL Data-share Consensus. Not counted in ClinVar's aggregate classification.